The following is an entry in ClinVar:

ClinVar aggregate classification (germline): Uncertain significance. Review status: criteria provided, multiple submitters, no conflicts (2 of 4 stars). 2 submissions from 2 submitters: Uncertain significance (2). Last evaluated 2023-05-15.

Submissions (2):

Labcorp Genetics (formerly Invitae), Labcorp
Classification: Uncertain significance. Last evaluated: 2023-05-15. Review status: criteria provided, single submitter. Criteria: Invitae Variant Classification Sherloc (09022015). Collection method: clinical testing. Allele origin: germline.
Comment: This sequence change replaces alanine, which is neutral and non-polar, with serine, which is neutral and polar, at codon 550 of the CACNA1G protein (p.Ala550Ser). This variant is not present in population databases (gnomAD no frequency). This variant has not been reported in the literature in individuals affected with CACNA1G-related conditions. Advanced modeling of protein sequence and biophysical properties (such as structural, functional, and spatial information, amino acid conservation, physicochemical variation, residue mobility, and thermodynamic stability) performed at Invitae indicates that this missense variant is not expected to disrupt CACNA1G protein function. In summary, the available evidence is currently insufficient to determine the role of this variant in disease. Therefore, it has been classified as a Variant of Uncertain Significance.

GeneDx
Classification: Uncertain significance. Last evaluated: 2022-11-04. Review status: criteria provided, single submitter. Criteria: GeneDx Variant Classification Process June 2021. Collection method: clinical testing. Allele origin: germline. Affected: yes.
Comment: Not observed at significant frequency in large population cohorts (gnomAD); In silico analysis supports that this missense variant does not alter protein structure/function; Has not been previously published as pathogenic or benign to our knowledge

NM_018896.5(CACNA1G):c.1648G>T (p.Ala550Ser)

Gene: CACNA1G (calcium voltage-gated channel subunit alpha1 G; plus strand). Cytogenetic location: 17q21.33.
Variant type: single nucleotide variant.
Coding change: c.1648G>T on transcript NM_018896.5 (MANE Select); coding-DNA position 1648, G replaced by T.
Protein change: p.Ala550Ser; replaces alanine 550 with serine.
Molecular consequence: missense variant. On other transcripts: non-coding transcript variant (5).
Genome position (GRCh38, 1-based): chr17:50,576,050, G>T. VCF-style: chr17-50576050-G-T. GRCh37 (hg19) VCF-style: chr17-48653411-G-T.
Other names: c.1648G>T, p.Ala550Ser (NM_001256324.2, NM_001256325.2, NM_001256326.2 and 24 more transcripts); short protein forms A550S.
Identifiers: ClinVar variation 2501621 (VCV002501621.4), dbSNP rs748354117, ClinGen allele CA400238265.
Genomic context (GRCh38, chr17:50,576,050, plus strand): 5'-CGCCGGCTCATGCTGCCACCACCCTCGACGCCTGCCCTCTCCGGGGCCCCCCCTGGTGGC[G>T]CAGAGTCTGTGCACAGCTTCTACCATGCCGACTGCCACTTAGAGCCAGTCCGCTGCCAGG-3'
Protein context (NP_061496.2, residues 540-560): PALSGAPPGG[Ala550Ser]ESVHSFYHAD